The following is an entry in ClinVar:

ClinVar aggregate classification (germline): Uncertain significance. Review status: criteria provided, multiple submitters, no conflicts (2 of 4 stars). 4 submissions from 4 submitters: Uncertain significance (3). 1 of the submissions does not count toward it. Last evaluated 2022-08-09.

Conditions:
MHC class II deficiency. Also called: Bare lymphocyte syndrome 2; BLS, TYPE II. Identifiers: Orphanet 572, MedGen C5447452, MONDO:0008855.
Inborn genetic diseases. Identifiers: MedGen C0950123, MeSH D030342.

Allele frequency attached by ClinVar (database versions not stated): TOPMed 0.00007; gnomAD 0.00011; ESP Exome Variant Server 0.00031.
gnomAD v4.1: 139 of 1,611,644 alleles (0.0086%); highest among the groups gnomAD compares: Non-Finnish European, 0.011%; no homozygotes.

Submissions (4):

Labcorp Genetics (formerly Invitae), Labcorp
Classification: Uncertain significance for MHC class II deficiency. Last evaluated: 2022-08-09. Review status: criteria provided, single submitter. Criteria: Invitae Variant Classification Sherloc (09022015). Collection method: clinical testing. Allele origin: germline.
Comment: This sequence change replaces isoleucine, which is neutral and non-polar, with valine, which is neutral and non-polar, at codon 118 of the CIITA protein (p.Ile118Val). This variant is present in population databases (rs142443082, gnomAD 0.01%). This variant has not been reported in the literature in individuals affected with CIITA-related conditions. ClinVar contains an entry for this variant (Variation ID: 651109). Algorithms developed to predict the effect of missense changes on protein structure and function (SIFT, PolyPhen-2, Align-GVGD) all suggest that this variant is likely to be tolerated. In summary, the available evidence is currently insufficient to determine the role of this variant in disease. Therefore, it has been classified as a Variant of Uncertain Significance.

Ambry Genetics
Classification: Uncertain significance for Inborn genetic diseases. Last evaluated: 2021-10-22. Review status: criteria provided, single submitter. Criteria: Ambry Variant Classification Scheme 2023. Collection method: clinical testing. Allele origin: germline.

Illumina Laboratory Services, Illumina
Classification: Uncertain significance for MHC class II deficiency 1. Last evaluated: 2018-01-13. Review status: criteria provided, single submitter. Criteria: ICSL Variant Classification Criteria 13 December 2019. Collection method: clinical testing. Allele origin: germline.

Natera, Inc.
Classification: Uncertain significance for Bare lymphocyte syndrome type II. Last evaluated: 2020-02-21. Review status: no assertion criteria provided. Collection method: clinical testing. Allele origin: germline. Not counted in ClinVar's aggregate classification.

NM_000246.4(CIITA):c.352A>G (p.Ile118Val)

Gene: CIITA (class II major histocompatibility complex transactivator; plus strand). Cytogenetic location: 16p13.13.
Variant type: single nucleotide variant.
Coding change: c.352A>G on transcript NM_000246.4 (MANE Select); coding-DNA position 352, A replaced by G.
Protein change: p.Ile118Val; replaces isoleucine 118 with valine.
Molecular consequence: missense variant. On other transcripts: non-coding transcript variant (1).
Genome position (GRCh38, 1-based): chr16:10,898,726, A>G. VCF-style: chr16-10898726-A-G. GRCh37 (hg19) VCF-style: chr16-10992583-A-G.
Other names: c.352A>G, p.Ile118Val (NM_001286402.1, NM_001286403.2, NM_001379330.1 and 3 more transcripts); c.280A>G, p.Ile94Val (NM_001379334.1); short protein forms I118V, I94V.
Identifiers: ClinVar variation 651109 (VCV000651109.13), dbSNP rs142443082, ClinGen allele CA7899670.
Genomic context (GRCh38, chr16:10,898,726, plus strand): 5'-GCAGCGGAACTGGACCAGTATGTCTTCCAGGACTCCCAGCTGGAGGGCCTGAGCAAGGAC[A>G]TTTTCAGTAAGTTTGTGGTGGGTGGGGAGGTCTTGGCTCAGCCTGCATTTCCTGCCTTGT-3'
Protein context (NP_000237.2, residues 108-128): DSQLEGLSKD[Ile118Val]FKHIGPDEVI